The following is an entry in ClinVar:

ClinVar aggregate classification (germline): Uncertain significance. Review status: criteria provided, multiple submitters, no conflicts (2 of 4 stars). 5 submissions from 5 submitters: Uncertain significance (5). Last evaluated 2025-07-08.

Conditions:
Cardiac arrhythmia. Also called: Arrhythmia; Cardiac rhythm disease. Identifiers: MedGen C0003811, MONDO:0007263, HP:0011675.
Long QT syndrome (LQTS). Identifiers: MedGen C0023976, MeSH D008133, MONDO:0002442. Disease mechanism: loss of function. Inheritance: Various modes of inheritance.
Long QT syndrome 2 (LQT2). Identifiers: Orphanet 101016, Orphanet 768, MedGen C3150943, MONDO:0013367, OMIM 613688.

Allele frequency attached by ClinVar (database versions not stated): gnomAD 0.00001; gnomAD exomes 0.00001 and 0.00005; TOPMed 0.00002; ExAC 0.00014; 1000 Genomes Project 30x 0.00016; 1000 Genomes Project 0.00020.

Submissions (5):

Labcorp Genetics (formerly Invitae), Labcorp
Classification: Uncertain significance for Long QT syndrome. Last evaluated: 2025-07-08. Review status: criteria provided, single submitter. Criteria: Invitae Variant Classification Sherloc (09022015). Collection method: clinical testing. Allele origin: germline.
Comment: This sequence change replaces arginine, which is basic and polar, with cysteine, which is neutral and slightly polar, at codon 92 of the KCNH2 protein (p.Arg92Cys). This variant is present in population databases (rs563611707, gnomAD 0.06%). This missense change has been observed in individual(s) with clinical features of long QT syndrome (internal data). ClinVar contains an entry for this variant (Variation ID: 200573). An algorithm developed to predict the effect of missense changes on protein structure and function (PolyPhen-2) suggests that this variant is likely to be disruptive. In summary, the available evidence is currently insufficient to determine the role of this variant in disease. Therefore, it has been classified as a Variant of Uncertain Significance.

Color Diagnostics, LLC DBA Color Health
Classification: Uncertain significance for Cardiac arrhythmia. Last evaluated: 2025-06-19. Review status: criteria provided, single submitter. Criteria: ACMG Guidelines, 2015. Collection method: clinical testing. Allele origin: germline.
Comment: This missense variant replaces arginine with cysteine at codon 92 of the KCNH2 protein. Computational prediction tool is inconclusive regarding the impact of this variant on protein structure and function. To our knowledge, functional studies have not been reported for this variant. This variant has not been reported in individuals affected with KCNH2-related disorders in the literature. This variant has been identified in 12/228324 chromosomes in the general population by the Genome Aggregation Database (gnomAD). The elevated variant allele frequency in the general population indicates that this variant may not be disease-causing. However, additional studies are necessary to determine the role of this variant in disease conclusively. Therefore, this variant is classified as a Variant of Uncertain Significance.

All of Us Research Program, National Institutes of Health
Classification: Uncertain significance for Long QT syndrome. Last evaluated: 2023-06-28. Review status: criteria provided, single submitter. Criteria: ACMG Guidelines, 2015. Collection method: clinical testing. Allele origin: germline. Inheritance: Autosomal dominant inheritance. Observed: 3 variant alleles, 3 heterozygotes.
Comment: This missense variant replaces arginine with cysteine at codon 92 of the KCNH2 protein. Computational prediction is inconclusive regarding the impact of this variant on protein structure and function (internally defined REVEL score threshold 0.5 < inconclusive < 0.7, PMID: 27666373). To our knowledge, functional studies have not been reported for this variant. This variant has not been reported in individuals affected with cardiovascular disorders in the literature. This variant has been identified in 12/228324 chromosomes in the general population by the Genome Aggregation Database (gnomAD). This variant allele frequency is greater than expected for the disorder based on prevalence, penetrance and allelic heterogeneity. However, the available evidence is insufficient to determine the role of this variant in disease conclusively. Therefore, this variant is classified as a Variant of Uncertain Significance.

This study involves interpretation of variants in research participants for the purpose of population health screening. Participant phenotype was not available at the time of variant classification. Additional details can be found in publication PMID: 35346344, PMCID: PMC8962531

Mendelics
Classification: Uncertain significance for Long QT syndrome 2. Last evaluated: 2019-05-28. Review status: criteria provided, single submitter. Criteria: Mendelics Assertion Criteria 2017. Collection method: clinical testing. Allele origin: unknown.

GeneDx
Classification: Uncertain significance. Last evaluated: 2016-11-01. Review status: criteria provided, single submitter. Criteria: GeneDx Variant Classification (06012015). Collection method: clinical testing. Allele origin: germline. Affected: yes.
Comment: p.Arg92Cys (CGC>TGC): c.274 C>T in exon 2 of the KCNH2 gene (NM_000238.2). The R92C variant in the KCNH2 gene has been observed in an individual with repaired Tetralogy of Fallot; however, this individual was not reported to have a history of cardiac life-threatening events and no specific clinical or functional studies were provided (Chiu et al., 2012). Additionally, the R92C variant was observed in approximately 0.2% (7/4120) alleles from individuals of East Asian background in the Exome Aggregation Consortium (ExAC) data set, further supporting that it may be a rare (benign) variant. Nevertheless, R92C is a non-conservative amino acid substitution as these residues differ in polarity, charge, size and/or other properties and is more likely to impact secondary structure. This substitution occurs at a position that is conserved across species. Consequently, in silico analysis predicts R92C is damaging to the protein structure/function. Although variants in nearby residues (E90K, E90Q, V94M) have been reported in HGMD in association with LQTS (Stenson et al., 2014), the pathogenicity of these variants have not been definitively determined. Therefore, based on the currently available information, it is unclear whether this variant is pathogenic or benign.

NM_000238.4(KCNH2):c.274C>T (p.Arg92Cys)

Gene: KCNH2 (potassium voltage-gated channel subfamily H member 2; minus strand). Cytogenetic location: 7q36.1.
Variant type: single nucleotide variant.
Coding change: c.274C>T on transcript NM_000238.4 (MANE Select); coding-DNA position 274, C replaced by T.
Protein change: p.Arg92Cys; replaces arginine 92 with cysteine.
Molecular consequence: missense variant.
Genome position (GRCh38, 1-based): chr7:150,974,744, G>A on the plus strand (C>T on the coding strand, the complement: KCNH2 is on the minus strand). VCF-style: chr7-150974744-G-A. GRCh37 (hg19) VCF-style: chr7-150671832-G-A.
Other names: p.R92C:CGC>TGC; c.97C>T, p.Arg33Cys (NM_001406755.1); c.274C>T, p.Arg92Cys (NM_172056.3); short protein forms R92C, R33C.
Identifiers: ClinVar variation 200573 (VCV000200573.19), dbSNP rs563611707, ClinGen allele CA007279.